The following is an entry in ClinVar:

ClinVar aggregate classification (germline): Pathogenic (1 of 4 stars; one submission).

Conditions:
Hereditary spastic paraplegia 30. Identifiers: Orphanet 101010, MedGen C5235139, MONDO:0012476.
Neuropathy, hereditary sensory, type 2C. Also called: KIF1A-Related HSAN2 (HSAN2C); Hereditary sensory and autonomic neuropathy type IIC. Identifiers: Orphanet 970, MedGen C3280168, MONDO:0013634, OMIM 614213.
Intellectual disability, autosomal dominant 9 (NESCAVS). Also called: KIF1A-Related Neurodevelopmental Disorder; NESCAV SYNDROME. Identifiers: Orphanet 662367, MedGen C5393830, MONDO:0013656, OMIM 614255.

Submission:

Labcorp Genetics (formerly Invitae), Labcorp
Classification: Pathogenic for Spastic paraplegia 30, autosomal recessive; Hereditary sensory and autonomic neuropathy type IIC; Mental retardation, autosomal dominant 9. Last evaluated: 2019-09-06. Review status: criteria provided, single submitter. Criteria: Invitae Variant Classification Sherloc (09022015). Collection method: clinical testing. Allele origin: germline.
Comment: A gross deletion of the genomic region encompassing the full coding sequence of the KIF1A gene has been identified. The boundaries of this event are unknown as the deletion extends beyond the assayed region for this gene and therefore may encompass additional genes. A similar deletion has been observed in the heterozygous state in individuals affected with hereditary spastic paraplegia and intellectual disability and/or developmental delay (Invitae). Loss-of-function variants in KIF1A are known to be pathogenic (PMID: 21820098). For these reasons, this variant has been classified as Pathogenic.

NC_000002.12:g.(?_240717364)_(240797752_?)del

Gene: KIF1A (kinesin family member 1A; minus strand). Cytogenetic location: 2q37.3.
Variant type: Deletion.
Identifiers: ClinVar variation 832086 (VCV000832086.1).